The following is an entry in ClinVar:

NM_001206927.2(DNAH8):c.4748C>G (p.Ser1583Cys)

Gene: DNAH8 (dynein axonemal heavy chain 8; plus strand). Cytogenetic location: 6p21.2.
Variant type: single nucleotide variant.
Coding change: c.4748C>G on transcript NM_001206927.2 (MANE Select); coding-DNA position 4748, C replaced by G.
Protein change: p.Ser1583Cys; replaces serine 1583 with cysteine.
Molecular consequence: missense variant.
Genome position (GRCh38, 1-based): chr6:38,842,806, C>G. VCF-style: chr6-38842806-C-G. GRCh37 (hg19) VCF-style: chr6-38810582-C-G.
Other names: c.4097C>G, p.Ser1366Cys (NM_001371.4); short protein forms S1366C, S1583C.
Identifiers: ClinVar variation 2824787 (VCV002824787.3), dbSNP rs2532807778, ClinGen allele CA364004126.
Genomic context (GRCh38, chr6:38,842,806, plus strand): 5'-GTCCTCTACTGGAAATGATGACCAATAAGGCCATGAAACAGAGACACTGGGATAGAATCT[C>G]CGAGTTAACTGGAACCCCATTTGATGTGGAATCTGATTCTTTTTGCCTTAGAAATATCAT-3'
Protein context (NP_001193856.1, residues 1573-1593): AMKQRHWDRI[Ser1583Cys]ELTGTPFDVE

ClinVar aggregate classification (germline): Uncertain significance (1 of 4 stars; one submission).

Conditions:
Primary ciliary dyskinesia. Also called: Ciliary dyskinesia. Identifiers: Orphanet 244, MedGen C0008780, MONDO:0016575, HP:0012265.

Submission:

Labcorp Genetics (formerly Invitae), Labcorp
Classification: Uncertain significance for Primary ciliary dyskinesia. Last evaluated: 2022-12-29. Review status: criteria provided, single submitter. Criteria: Invitae Variant Classification Sherloc (09022015). Collection method: clinical testing. Allele origin: germline.
Comment: This variant is not present in population databases (gnomAD no frequency). This sequence change replaces serine, which is neutral and polar, with cysteine, which is neutral and slightly polar, at codon 1583 of the DNAH8 protein (p.Ser1583Cys). This variant has not been reported in the literature in individuals affected with DNAH8-related conditions. In summary, the available evidence is currently insufficient to determine the role of this variant in disease. Therefore, it has been classified as a Variant of Uncertain Significance. Advanced modeling of protein sequence and biophysical properties (such as structural, functional, and spatial information, amino acid conservation, physicochemical variation, residue mobility, and thermodynamic stability) performed at Invitae indicates that this missense variant is expected to disrupt DNAH8 protein function.